The following is an entry in ClinVar:

NM_021978.4(ST14):c.1669G>A (p.Ala557Thr)

Gene: ST14 (ST14 transmembrane serine protease matriptase; plus strand). Cytogenetic location: 11q24.3.
Variant type: single nucleotide variant.
Coding change: c.1669G>A on transcript NM_021978.4 (MANE Select); coding-DNA position 1669, G replaced by A.
Protein change: p.Ala557Thr; replaces alanine 557 with threonine.
Molecular consequence: missense variant.
Genome position (GRCh38, 1-based): chr11:130,198,606, G>A. VCF-style: chr11-130198606-G-A. GRCh37 (hg19) VCF-style: chr11-130068501-G-A.
Other names: c.1669G>A (NM_021978.3); short protein forms A557T.
Identifiers: ClinVar variation 1898410 (VCV001898410.6), dbSNP rs754260768, ClinGen allele CA6364151.

ClinVar aggregate classification (germline): Uncertain significance. Review status: criteria provided, multiple submitters, no conflicts (2 of 4 stars). 2 submissions from 2 submitters: Uncertain significance (2). Last evaluated 2025-07-14.

Conditions:
Inborn genetic diseases. Identifiers: MedGen C0950123, MeSH D030342.

Allele frequency attached by ClinVar (database versions not stated): ExAC 0.00001; gnomAD 0.00001; gnomAD exomes 0.00001; TOPMed 0.00001.
gnomAD v4.1: 8 of 1,613,676 alleles (0.0005%); highest among the groups gnomAD compares: Non-Finnish European, 0.00068%; no homozygotes.

Submissions (2):

Labcorp Genetics (formerly Invitae), Labcorp
Classification: Uncertain significance. Last evaluated: 2025-07-14. Review status: criteria provided, single submitter. Criteria: Invitae Variant Classification Sherloc (09022015). Collection method: clinical testing. Allele origin: germline.
Comment: This sequence change replaces alanine, which is neutral and non-polar, with threonine, which is neutral and polar, at codon 557 of the ST14 protein (p.Ala557Thr). This variant is present in population databases (rs754260768, gnomAD 0.003%). This variant has not been reported in the literature in individuals affected with ST14-related conditions. ClinVar contains an entry for this variant (Variation ID: 1898410). Invitae Evidence Modeling of protein sequence and biophysical properties (such as structural, functional, and spatial information, amino acid conservation, physicochemical variation, residue mobility, and thermodynamic stability) indicates that this missense variant is not expected to disrupt ST14 protein function with a negative predictive value of 80%. In summary, the available evidence is currently insufficient to determine the role of this variant in disease. Therefore, it has been classified as a Variant of Uncertain Significance.

Ambry Genetics
Classification: Uncertain significance for Inborn genetic diseases. Last evaluated: 2025-04-08. Review status: criteria provided, single submitter. Criteria: Ambry Variant Classification Scheme 2023. Collection method: clinical testing. Allele origin: germline.